The following is an entry in ClinVar:

ClinVar aggregate classification (germline): Uncertain significance (1 of 4 stars; one submission).

Submission:

Labcorp Genetics (formerly Invitae), Labcorp
Classification: Uncertain significance. Last evaluated: 2023-03-08. Review status: criteria provided, single submitter. Criteria: Invitae Variant Classification Sherloc (09022015). Collection method: clinical testing. Allele origin: germline.
Comment: This sequence change falls in intron 8 of the LYN gene. It does not directly change the encoded amino acid sequence of the LYN protein. It affects a nucleotide within the consensus splice site. This variant is not present in population databases (gnomAD no frequency). This variant has not been reported in the literature in individuals affected with LYN-related conditions. Variants that disrupt the consensus splice site are a relatively common cause of aberrant splicing (PMID: 17576681, 9536098). Algorithms developed to predict the effect of sequence changes on RNA splicing suggest that this variant is not likely to affect RNA splicing. In summary, the available evidence is currently insufficient to determine the role of this variant in disease. Therefore, it has been classified as a Variant of Uncertain Significance.

Literature cited by the submitters: PubMed 17576681; PubMed 9536098.

NM_002350.4(LYN):c.790+5dup

Gene: LYN (LYN proto-oncogene, Src family tyrosine kinase; plus strand). Cytogenetic location: 8q12.1.
Variant type: Duplication.
Coding change: c.790+5dup on transcript NM_002350.4 (MANE Select); 5 bases into the intron after coding-DNA position 790, one base duplicated (G; older notation c.790+5dupG).
Molecular consequence: intron variant.
Genome position (GRCh38, 1-based): chr8:55,953,989, G duplicated. VCF-style (leftmost placement, unchanged base first): chr8-55953988-A-AG. GRCh37 (hg19) VCF-style: chr8-56866547-A-AG.
Other names: c.727+5dup (NM_001111097.3).
Identifiers: ClinVar variation 2844119 (VCV002844119.3), dbSNP rs2487522596, ClinGen allele CA2739278891.